The following is an entry in ClinVar:

ClinVar aggregate classification (germline): Uncertain significance (1 of 4 stars; one submission).

Allele frequency attached by ClinVar (database versions not stated): TOPMed below 0.00001.
gnomAD v4.1: 2 of 1,613,498 alleles (0.00012%); highest among the groups gnomAD compares: South Asian, 0.0011%; no homozygotes.

Submission:

CeGaT Center for Human Genetics Tuebingen
Classification: Uncertain significance. Last evaluated: 2022-10-01. Review status: criteria provided, single submitter. Criteria: CeGaT Center For Human Genetics Tuebingen Variant Classification Criteria Version 2. Collection method: clinical testing. Allele origin: germline. Affected: yes. Observed: 1 variant allele.
Comment: PACS1: PM2, PS2:Moderate

NM_018026.4(PACS1):c.2794G>A (p.Glu932Lys)

Gene: PACS1 (phosphofurin acidic cluster sorting protein 1; plus strand). Cytogenetic location: 11q13.2.
Variant type: single nucleotide variant.
Coding change: c.2794G>A on transcript NM_018026.4 (MANE Select); coding-DNA position 2794, G replaced by A.
Protein change: p.Glu932Lys; replaces glutamic acid 932 with lysine.
Molecular consequence: missense variant.
Genome position (GRCh38, 1-based): chr11:66,243,182, G>A. VCF-style: chr11-66243182-G-A. GRCh37 (hg19) VCF-style: chr11-66010653-G-A.
Other names: short protein forms E932K.
Identifiers: ClinVar variation 1879204 (VCV001879204.29), dbSNP rs769935627, ClinGen allele CA381384570.